The following is an entry in ClinVar:

NM_006231.4(POLE):c.1332G>A (p.Met444Ile)

Gene: POLE (DNA polymerase epsilon, catalytic subunit; minus strand). Cytogenetic location: 12q24.33.
Variant type: single nucleotide variant.
Coding change: c.1332G>A on transcript NM_006231.4 (MANE Select); coding-DNA position 1332, G replaced by A.
Protein change: p.Met444Ile; replaces methionine 444 with isoleucine.
Molecular consequence: missense variant.
Genome position (GRCh38, 1-based): chr12:132,673,602, C>T on the plus strand (G>A on the coding strand, the complement: POLE is on the minus strand). VCF-style: chr12-132673602-C-T. GRCh37 (hg19) VCF-style: chr12-133250188-C-T.
Other names: short protein forms M444I.
Identifiers: ClinVar variation 1770179 (VCV001770179.6), dbSNP rs2135999365, ClinGen allele CA387359223.

ClinVar aggregate classification (germline): Uncertain significance. Review status: criteria provided, multiple submitters, no conflicts (2 of 4 stars). 2 submissions from 2 submitters: Uncertain significance (2). Last evaluated 2026-01-15.

Conditions:
Hereditary cancer-predisposing syndrome. Also called: Tumor predisposition; Hereditary Cancer Syndrome; Hereditary neoplastic syndrome; Neoplastic Syndromes, Hereditary. Identifiers: Orphanet 140162, MedGen C0027672, MeSH D009386, MONDO:0015356.

Submissions (2):

Ambry Genetics
Classification: Uncertain significance for Hereditary cancer-predisposing syndrome. Last evaluated: 2026-01-15. Review status: criteria provided, single submitter. Criteria: Ambry Variant Classification Scheme 2023. Collection method: clinical testing. Allele origin: germline.
Comment: The p.M444I variant (also known as c.1332G>A), located in coding exon 13 of the POLE gene, results from a G to A substitution at nucleotide position 1332. The methionine at codon 444 is replaced by isoleucine, an amino acid with highly similar properties. This amino acid position is highly conserved in available vertebrate species. In addition, the in silico prediction for this alteration is inconclusive. Based on the available evidence, the clinical significance of this variant remains unclear.

Labcorp Genetics (formerly Invitae), Labcorp
Classification: Uncertain significance. Last evaluated: 2023-08-20. Review status: criteria provided, single submitter. Criteria: Invitae Variant Classification Sherloc (09022015). Collection method: clinical testing. Allele origin: germline.
Comment: Advanced modeling of protein sequence and biophysical properties (such as structural, functional, and spatial information, amino acid conservation, physicochemical variation, residue mobility, and thermodynamic stability) performed at Invitae indicates that this missense variant is not expected to disrupt POLE protein function. ClinVar contains an entry for this variant (Variation ID: 1770179). This variant has not been reported in the literature in individuals affected with POLE-related conditions. This variant is not present in population databases (gnomAD no frequency). This sequence change replaces methionine, which is neutral and non-polar, with isoleucine, which is neutral and non-polar, at codon 444 of the POLE protein (p.Met444Ile). In summary, the available evidence is currently insufficient to determine the role of this variant in disease. Therefore, it has been classified as a Variant of Uncertain Significance.